The following is an entry in ClinVar:

ClinVar aggregate classification (germline): Uncertain significance. Review status: criteria provided, multiple submitters, no conflicts (2 of 4 stars). 2 submissions from 2 submitters: Uncertain significance (2). Last evaluated 2024-06-28.

gnomAD v4.1: 3 of 1,614,184 alleles (0.00019%); highest among the groups gnomAD compares: Non-Finnish European, 0.00025%; no homozygotes.

Submissions (2):

Ambry Genetics
Classification: Uncertain significance. Last evaluated: 2024-06-28. Review status: criteria provided, single submitter. Criteria: Ambry Variant Classification Scheme 2023. Collection method: clinical testing. Allele origin: germline.
Comment: The p.F265L variant (also known as c.795C>A), located in coding exon 4 of the GALNT12 gene, results from a C to A substitution at nucleotide position 795. The phenylalanine at codon 265 is replaced by leucine, an amino acid with highly similar properties. This amino acid position is conserved. In addition, the in silico prediction for this alteration is inconclusive. Since supporting evidence is limited at this time, the clinical significance of this alteration remains unclear.

Labcorp Genetics (formerly Invitae), Labcorp
Classification: Uncertain significance. Last evaluated: 2021-12-07. Review status: criteria provided, single submitter. Criteria: Invitae Variant Classification Sherloc (09022015). Collection method: clinical testing. Allele origin: germline.
Comment: In summary, the available evidence is currently insufficient to determine the role of this variant in disease. Therefore, it has been classified as a Variant of Uncertain Significance. Algorithms developed to predict the effect of sequence changes on RNA splicing suggest that this variant may create or strengthen a splice site. Algorithms developed to predict the effect of missense changes on protein structure and function are either unavailable or do not agree on the potential impact of this missense change (SIFT: "Tolerated"; PolyPhen-2: "Probably Damaging"; Align-GVGD: "Class C0"). ClinVar contains an entry for this variant (Variation ID: 1058467). This sequence change replaces phenylalanine, which is neutral and non-polar, with leucine, which is neutral and non-polar, at codon 265 of the GALNT12 protein (p.Phe265Leu). This variant is not present in population databases (gnomAD no frequency). This variant has not been reported in the literature in individuals affected with GALNT12-related conditions.

NM_024642.5(GALNT12):c.795C>A (p.Phe265Leu)

Gene: GALNT12 (polypeptide N-acetylgalactosaminyltransferase 12; plus strand). Cytogenetic location: 9q22.33.
Variant type: single nucleotide variant.
Coding change: c.795C>A on transcript NM_024642.5 (MANE Select); coding-DNA position 795, C replaced by A.
Protein change: p.Phe265Leu; replaces phenylalanine 265 with leucine.
Molecular consequence: missense variant.
Genome position (GRCh38, 1-based): chr9:98,831,835, C>A. VCF-style: chr9-98831835-C-A. GRCh37 (hg19) VCF-style: chr9-101594117-C-A.
Other names: short protein forms F265L.
Identifiers: ClinVar variation 1058467 (VCV001058467.10), dbSNP rs774616588, ClinGen allele CA374218025.
Genomic context (GRCh38, chr9:98,831,835, plus strand): 5'-CCATGAAGAGGAGTCGGCAGTGGTGTGCCCGGTGATTGATGTGATCGACTGGAACACCTT[C>A]GAATACCTGGGGAACTCCGGGGAGCCCCAGATCGGCGGTTTCGACTGGAGGCTGGTGTTC-3'
Protein context (NP_078918.3, residues 255-275): PVIDVIDWNT[Phe265Leu]EYLGNSGEPQ